The following is an entry in ClinVar:

ClinVar aggregate classification (germline): Conflicting classifications of pathogenicity. Review status: criteria provided, conflicting classifications (1 of 4 stars). 2 submissions from 2 submitters: Uncertain significance (1); Likely benign (1). Last evaluated 2024-04-15.

Allele frequency attached by ClinVar (database versions not stated): TOPMed 0.00006; gnomAD 0.00007 and 0.00011; gnomAD exomes 0.00011 and 0.00024; 1000 Genomes Project 30x 0.00016; 1000 Genomes Project 0.00020; ExAC 0.00026.
gnomAD v4.1: 181 of 1,613,554 alleles (0.011%); highest among the groups gnomAD compares: South Asian, 0.17%; 1 homozygote.

Submissions (2):

Blueprint Genetics
Classification: Likely benign. Last evaluated: 2024-04-15. Review status: criteria provided, single submitter. Criteria: ACMG Guidelines, 2015. Collection method: clinical testing. Allele origin: germline.

Labcorp Genetics (formerly Invitae), Labcorp
Classification: Uncertain significance. Last evaluated: 2021-09-24. Review status: criteria provided, single submitter. Criteria: Invitae Variant Classification Sherloc (09022015). Collection method: clinical testing. Allele origin: germline.
Comment: This sequence change replaces isoleucine with threonine at codon 200 of the HMOX1 protein (p.Ile200Thr). The isoleucine residue is weakly conserved and there is a moderate physicochemical difference between isoleucine and threonine. This variant is present in population databases (rs548430137, ExAC 0.2%). This variant has not been reported in the literature in individuals with HMOX1-related conditions. Algorithms developed to predict the effect of missense changes on protein structure and function output the following: SIFT: "Tolerated"; PolyPhen-2: "Benign"; Align-GVGD: "Class C0". The threonine amino acid residue is found in multiple mammalian species, suggesting that this missense change does not adversely affect protein function. These predictions have not been confirmed by published functional studies and their clinical significance is uncertain. In summary, the available evidence is currently insufficient to determine the role of this variant in disease. Therefore, it has been classified as a Variant of Uncertain Significance.

NM_002133.3(HMOX1):c.599T>C (p.Ile200Thr)

Gene: HMOX1 (heme oxygenase 1; plus strand). Cytogenetic location: 22q12.3.
Variant type: single nucleotide variant.
Coding change: c.599T>C on transcript NM_002133.3 (MANE Select); coding-DNA position 599, T replaced by C.
Protein change: p.Ile200Thr; replaces isoleucine 200 with threonine.
Molecular consequence: missense variant.
Genome position (GRCh38, 1-based): chr22:35,387,139, T>C. VCF-style: chr22-35387139-T-C. GRCh37 (hg19) VCF-style: chr22-35783132-T-C.
Other names: short protein forms I200T.
Identifiers: ClinVar variation 1446616 (VCV001446616.6), dbSNP rs548430137, ClinGen allele CA10204759.